The following is an entry in ClinVar:

NM_006509.4(RELB):c.1633G>A (p.Gly545Arg)

Gene: RELB (RELB proto-oncogene, NF-kB subunit; plus strand). Cytogenetic location: 19q13.32.
Variant type: single nucleotide variant.
Coding change: c.1633G>A on transcript NM_006509.4 (MANE Select); coding-DNA position 1633, G replaced by A.
Protein change: p.Gly545Arg; replaces glycine 545 with arginine.
Molecular consequence: missense variant.
Genome position (GRCh38, 1-based): chr19:45,037,683, G>A. VCF-style: chr19-45037683-G-A. GRCh37 (hg19) VCF-style: chr19-45540941-G-A.
Other names: c.1633G>A (NM_006509.3); c.1624G>A, p.Gly542Arg (NM_001411087.1); short protein forms G545R, G542R.
Identifiers: ClinVar variation 2123424 (VCV002123424.5), dbSNP rs1310938299, ClinGen allele CA406310060.

ClinVar aggregate classification (germline): Uncertain significance. Review status: criteria provided, multiple submitters, no conflicts (2 of 4 stars). 2 submissions from 2 submitters: Uncertain significance (2). Last evaluated 2025-11-06.

gnomAD v4.1: 15 of 1,563,340 alleles (0.00096%); highest among the groups gnomAD compares: Admixed American, 0.004%; no homozygotes.

Submissions (2):

Ambry Genetics
Classification: Uncertain significance. Last evaluated: 2025-11-06. Review status: criteria provided, single submitter. Criteria: Ambry Variant Classification Scheme 2023. Collection method: clinical testing. Allele origin: germline.

Labcorp Genetics (formerly Invitae), Labcorp
Classification: Uncertain significance. Last evaluated: 2022-05-12. Review status: criteria provided, single submitter. Criteria: Invitae Variant Classification Sherloc (09022015). Collection method: clinical testing. Allele origin: germline.
Comment: This sequence change replaces glycine, which is neutral and non-polar, with arginine, which is basic and polar, at codon 545 of the RELB protein (p.Gly545Arg). The frequency data for this variant in the population databases is considered unreliable, as metrics indicate poor data quality at this position in the gnomAD database. In summary, the available evidence is currently insufficient to determine the role of this variant in disease. Therefore, it has been classified as a Variant of Uncertain Significance. Algorithms developed to predict the effect of missense changes on protein structure and function are either unavailable or do not agree on the potential impact of this missense change (SIFT: "Deleterious"; PolyPhen-2: "Possibly Damaging"; Align-GVGD: "Class C0"). This variant has not been reported in the literature in individuals affected with RELB-related conditions.